The following is an entry in ClinVar:

NM_001267550.2(TTN):c.12319del (p.Leu4107fs)

Gene: TTN (titin; minus strand). Cytogenetic location: 2q31.2.
Variant type: Deletion.
Coding change: c.12319del on transcript NM_001267550.2 (MANE Select); coding-DNA position 12319, one base deleted (C; older notation c.12319delC).
Protein change: p.Leu4107fs; shifts the reading frame from leucine 4107.
Molecular consequence: frameshift variant. On other transcripts: intron variant (1).
Genome position (GRCh38, 1-based): chr2:178,740,914, G deleted on the plus strand (C on the coding strand, the reverse complement: TTN is on the minus strand). VCF-style (leftmost placement, unchanged base first): chr2-178740913-AG-A. GRCh37 (hg19) VCF-style: chr2-179605640-AG-A.
Other names: c.11368del, p.Leu3790fs (NM_001256850.1); c.11230del, p.Leu3744fs (NM_003319.4); c.11605del, p.Leu3869fs (NM_133432.3); c.11806del, p.Leu3936fs (NM_133437.4); c.10361-2554del (NM_133378.4); short protein forms L3744fs, L3790fs, L3869fs, L3936fs, L4107fs.
Identifiers: ClinVar variation 1061049 (VCV001061049.10), dbSNP rs2154318463, ClinGen allele CA2499215489.

ClinVar aggregate classification (germline): Conflicting classifications of pathogenicity. Review status: criteria provided, conflicting classifications (1 of 4 stars). 2 submissions from 2 submitters: Pathogenic (1); Uncertain significance (1). Last evaluated 2025-12-03.

Conditions:
Hypertrophic cardiomyopathy 9. Also called: Familial hypertrophic cardiomyopathy 9. Identifiers: MedGen C1861065, MONDO:0013412, OMIM 613765.
Tibial muscular dystrophy (TMD). Also called: UDD MYOPATHY; Udd Distal Myopathy – Tibial Muscular Dystrophy; Tibial muscular dystrophy, tardive. Identifiers: Orphanet 609, MedGen C1838244, MONDO:0010870, OMIM 600334.
Early-onset myopathy with fatal cardiomyopathy (CMYO5). Also called: Salih Myopathy; CONGENITAL MYOPATHY 5 WITH CARDIOMYOPATHY. Identifiers: Orphanet 289377, MedGen C2673677, MONDO:0012714, OMIM 611705. Disease mechanism: loss of function.
Myopathy, myofibrillar, 9, with early respiratory failure (MFM9). Also called: MYOPATHY, PROXIMAL, WITH EARLY RESPIRATORY MUSCLE INVOLVEMENT; Hereditary myopathy with early respiratory failure; EDSTROM MYOPATHY; Myopathy, distal, with early respiratory failure, autosomal dominant. Identifiers: Orphanet 178464, Orphanet 34521, MedGen C1863599, MONDO:0011362, OMIM 603689.
Dilated cardiomyopathy 1G (CMD1G). Identifiers: Orphanet 154, MedGen C1858763, MONDO:0011400, OMIM 604145.
Autosomal recessive limb-girdle muscular dystrophy type 2J (LGMDR10). Also called: Limb-girdle muscular dystrophy, type 2J; MUSCULAR DYSTROPHY, LIMB-GIRDLE, AUTOSOMAL RECESSIVE 10. Identifiers: Orphanet 140922, MedGen C1837342, MONDO:0012127, OMIM 608807.

Submissions (2):

Labcorp Genetics (formerly Invitae), Labcorp
Classification: Pathogenic for Dilated cardiomyopathy 1G; Autosomal recessive limb-girdle muscular dystrophy type 2J. Last evaluated: 2025-12-03. Review status: criteria provided, single submitter. Criteria: Invitae Variant Classification Sherloc (09022015). Collection method: clinical testing. Allele origin: germline.
Comment: This sequence change creates a premature translational stop signal (p.Leu4107Phefs*61) in the TTN gene. While this is not anticipated to result in nonsense mediated decay, it is expected to create a truncated TTN protein. This variant is not present in population databases (gnomAD no frequency). This premature translational stop signal has been observed in individuals with autosomal dominant dilated cardiomyopathy (internal data). ClinVar contains an entry for this variant (Variation ID: 1061049). This variant is located in the I band of TTN (PMID: 25589632). Truncating variants in this region have been reported in individuals affected with autosomal recessive centronuclear myopathy (PMID: 23975875, internal data). Truncating variants in this region have also been identified in individuals affected with autosomal dominant dilated cardiomyopathy and/or cardio-related conditions (PMID: 27869827, 32964742, internal data). For these reasons, this variant has been classified as Pathogenic.

Fulgent Genetics
Classification: Uncertain significance for Tibial muscular dystrophy; Myopathy, myofibrillar, 9, with early respiratory failure; Dilated cardiomyopathy 1G; Autosomal recessive limb-girdle muscular dystrophy type 2J; Early-onset myopathy with fatal cardiomyopathy; Hypertrophic cardiomyopathy 9. Last evaluated: 2021-08-24. Review status: criteria provided, single submitter. Criteria: ACMG Guidelines, 2015. Collection method: clinical testing. Allele origin: unknown.

Literature cited by the submitters: PubMed 25589632 (cited by Labcorp Genetics (formerly Invitae), Labcorp); PubMed 23975875 (cited by Labcorp Genetics (formerly Invitae), Labcorp); PubMed 27869827 (cited by Labcorp Genetics (formerly Invitae), Labcorp); PubMed 32964742 (cited by Labcorp Genetics (formerly Invitae), Labcorp).